The following is an entry in ClinVar:

ClinVar aggregate classification (germline): Uncertain significance (1 of 4 stars; one submission).

Submission:

Labcorp Genetics (formerly Invitae), Labcorp
Classification: Uncertain significance. Last evaluated: 2024-12-10. Review status: criteria provided, single submitter. Criteria: Invitae Variant Classification Sherloc (09022015). Collection method: clinical testing. Allele origin: germline.
Comment: This sequence change replaces serine, which is neutral and polar, with phenylalanine, which is neutral and non-polar, at codon 108 of the MS4A1 protein (p.Ser108Phe). This variant is present in population databases (no rsID available, gnomAD no frequency). This variant has not been reported in the literature in individuals affected with MS4A1-related conditions. An algorithm developed to predict the effect of missense changes on protein structure and function (PolyPhen-2) suggests that this variant is likely to be tolerated. In summary, the available evidence is currently insufficient to determine the role of this variant in disease. Therefore, it has been classified as a Variant of Uncertain Significance.

NM_152866.3(MS4A1):c.323C>T (p.Ser108Phe)

Gene: MS4A1 (membrane spanning 4-domains A1; plus strand). Cytogenetic location: 11q12.2.
Variant type: single nucleotide variant.
Coding change: c.323C>T on transcript NM_152866.3 (MANE Select); coding-DNA position 323, C replaced by T.
Protein change: p.Ser108Phe; replaces serine 108 with phenylalanine.
Molecular consequence: missense variant.
Genome position (GRCh38, 1-based): chr11:60,464,331, C>T. VCF-style: chr11-60464331-C-T. GRCh37 (hg19) VCF-style: chr11-60231804-C-T.
Other names: c.323C>T, p.Ser108Phe (NM_021950.4, NM_152867.2); short protein forms S108F.
Identifiers: ClinVar variation 3678679 (VCV003678679.2).